The following is an entry in ClinVar:

ClinVar aggregate classification (germline): Uncertain significance (1 of 4 stars; one submission).

Submission:

Labcorp Genetics (formerly Invitae), Labcorp
Classification: Uncertain significance. Last evaluated: 2024-02-08. Review status: criteria provided, single submitter. Criteria: Invitae Variant Classification Sherloc (09022015). Collection method: clinical testing. Allele origin: germline.
Comment: This sequence change replaces proline, which is neutral and non-polar, with threonine, which is neutral and polar, at codon 500 of the KIF2A protein (p.Pro500Thr). This variant is not present in population databases (gnomAD no frequency). This variant has not been reported in the literature in individuals affected with KIF2A-related conditions. ClinVar contains an entry for this variant (Variation ID: 2106412). An algorithm developed to predict the effect of missense changes on protein structure and function (PolyPhen-2) suggests that this variant is likely to be disruptive. In summary, the available evidence is currently insufficient to determine the role of this variant in disease. Therefore, it has been classified as a Variant of Uncertain Significance.

NM_001098511.3(KIF2A):c.1498C>A (p.Pro500Thr)

Gene: KIF2A (kinesin family member 2A; plus strand). Cytogenetic location: 5q12.1.
Variant type: single nucleotide variant.
Coding change: c.1498C>A on transcript NM_001098511.3 (MANE Select); coding-DNA position 1498, C replaced by A.
Protein change: p.Pro500Thr; replaces proline 500 with threonine.
Molecular consequence: missense variant.
Genome position (GRCh38, 1-based): chr5:62,365,273, C>A. VCF-style: chr5-62365273-C-A. GRCh37 (hg19) VCF-style: chr5-61661100-C-A.
Other names: c.1417C>A, p.Pro473Thr (NM_001243952.2); c.1441C>A, p.Pro481Thr (NM_001243953.2); c.1498C>A, p.Pro500Thr (NM_004520.5); short protein forms P473T, P481T, P500T.
Identifiers: ClinVar variation 2106412 (VCV002106412.4), dbSNP rs2531361968, ClinGen allele CA359951750.
Genomic context (GRCh38, chr5:62,365,273, plus strand): 5'-ATCTGTGAGACTTGTTTTCTTAATTTTCAGGAGTGCATCAGAGCCTTAGGTAGAAATAAA[C>A]CTCATACTCCTTTCCGTGCAAGTAAACTCACTCAGGTGTTAAGAGATTCTTTCATAGGTG-3'
Protein context (NP_001091981.1, residues 490-510): ECIRALGRNK[Pro500Thr]HTPFRASKLT